The following is an entry in ClinVar:

NM_172107.4(KCNQ2):c.685A>G (p.Ser229Gly)

Gene: KCNQ2 (potassium voltage-gated channel subfamily Q member 2; minus strand). Cytogenetic location: 20q13.33.
Variant type: single nucleotide variant.
Coding change: c.685A>G on transcript NM_172107.4 (MANE Select); coding-DNA position 685, A replaced by G.
Protein change: p.Ser229Gly; replaces serine 229 with glycine.
Molecular consequence: missense variant.
Genome position (GRCh38, 1-based): chr20:63,444,664, T>C on the plus strand (A>G on the coding strand, the complement: KCNQ2 is on the minus strand). VCF-style: chr20-63444664-T-C. GRCh37 (hg19) VCF-style: chr20-62076017-T-C.
Other names: c.685A>G, p.Ser229Gly (NM_001382235.1, NM_004518.6, NM_172106.3 and 2 more transcripts); short protein forms S229G.
Identifiers: ClinVar variation 2708146 (VCV002708146.3), dbSNP rs2516501540, ClinGen allele CA409654648.

ClinVar aggregate classification (germline): Likely pathogenic (1 of 4 stars; one submission).

Conditions:
Early-infantile DEE. Also called: Early infantile epileptic encephalopathy with suppression bursts; Early infantile epileptic encephalopathy; Ohtahara syndrome. Identifiers: Orphanet 1934, MedGen C0393706, MONDO:0800491.

Submission:

Labcorp Genetics (formerly Invitae), Labcorp
Classification: Likely pathogenic for Early-infantile DEE. Last evaluated: 2024-05-08. Review status: criteria provided, single submitter. Criteria: Invitae Variant Classification Sherloc (09022015). Collection method: clinical testing. Allele origin: germline.
Comment: This sequence change replaces serine, which is neutral and polar, with glycine, which is neutral and non-polar, at codon 229 of the KCNQ2 protein (p.Ser229Gly). This variant is not present in population databases (gnomAD no frequency). This variant has not been reported in the literature in individuals affected with KCNQ2-related conditions. Advanced modeling of protein sequence and biophysical properties (such as structural, functional, and spatial information, amino acid conservation, physicochemical variation, residue mobility, and thermodynamic stability) performed at Invitae indicates that this missense variant is expected to disrupt KCNQ2 protein function with a positive predictive value of 95%. This variant disrupts the p.Ser229 amino acid residue in KCNQ2. Other variant(s) that disrupt this residue have been determined to be pathogenic (Invitae). This suggests that this residue is clinically significant, and that variants that disrupt this residue are likely to be disease-causing. In summary, the currently available evidence indicates that the variant is pathogenic, but additional data are needed to prove that conclusively. Therefore, this variant has been classified as Likely Pathogenic.